The following is an entry in ClinVar:

ClinVar aggregate classification (germline): Uncertain significance (1 of 4 stars; one submission).

Conditions:
Inborn genetic diseases. Identifiers: MedGen C0950123, MeSH D030342.

Submission:

Ambry Genetics
Classification: Uncertain significance for Inborn genetic diseases. Last evaluated: 2025-09-27. Review status: criteria provided, single submitter. Criteria: Ambry Variant Classification Scheme 2023. Collection method: clinical testing. Allele origin: germline.
Comment: The p.D143H variant (also known as c.427G>C), located in coding exon 3 of the MECOM gene, results from a G to C substitution at nucleotide position 427. The aspartic acid at codon 143 is replaced by histidine, an amino acid with similar properties. This amino acid position is conserved. In addition, the in silico prediction for this alteration is inconclusive. Based on the available evidence, the clinical significance of this variant remains unclear.

NM_004991.4(MECOM):c.427G>C (p.Asp143His)

Gene: MECOM (MDS1 and EVI1 complex locus; minus strand). Cytogenetic location: 3q26.2.
Variant type: single nucleotide variant.
Coding change: c.427G>C on transcript NM_004991.4 (MANE Select); coding-DNA position 427, G replaced by C.
Protein change: p.Asp143His; replaces aspartic acid 143 with histidine.
Molecular consequence: missense variant. On other transcripts: 5 prime UTR variant (12).
Genome position (GRCh38, 1-based): chr3:169,143,781, C>G on the plus strand (G>C on the coding strand, the complement: MECOM is on the minus strand). VCF-style: chr3-169143781-C-G. GRCh37 (hg19) VCF-style: chr3-168861569-C-G.
Other names: c.55G>C, p.Asp19His (NM_001105077.4); c.-138G>C (NM_001105078.4, NM_001163999.2, NM_001164000.2 and 9 more transcripts); c.427G>C, p.Asp143His (NM_001366466.2, NM_001366473.2); short protein forms D143H, D19H.
Identifiers: ClinVar variation 4624606 (VCV004624606.1).
Genomic context (GRCh38, chr3:169,143,781, plus strand): 5'-CAAGGTTGTGCTGATCATAACAGCCAGCGAATCTAATGTACTTGAGCCAGCTTCCAACAT[C>G]TGGTTGACTGGCATCTATGCAGAACTTCACATTGTAAAATTCGTCTAAGATCTGGAGGGA-3'
Protein context (NP_004982.2, residues 133-153): VKFCIDASQP[Asp143His]VGSWLKYIRF